The following is an entry in ClinVar:

NM_004260.4(RECQL4):c.1957G>A (p.Ala653Thr)

Gene: RECQL4 (RecQ like helicase 4; minus strand). Cytogenetic location: 8q24.3.
Variant type: single nucleotide variant.
Coding change: c.1957G>A on transcript NM_004260.4 (MANE Select); coding-DNA position 1957, G replaced by A.
Protein change: p.Ala653Thr; replaces alanine 653 with threonine.
Molecular consequence: missense variant.
Genome position (GRCh38, 1-based): chr8:144,514,029, C>T on the plus strand (G>A on the coding strand, the complement: RECQL4 is on the minus strand). VCF-style: chr8-144514029-C-T. GRCh37 (hg19) VCF-style: chr8-145739413-C-T.
Other names: c.1957G>A (NM_004260.3); short protein forms A653T.
Identifiers: ClinVar variation 1017704 (VCV001017704.4), dbSNP rs1339042314, ClinGen allele CA372680418.

ClinVar aggregate classification (germline): Uncertain significance. Review status: criteria provided, multiple submitters, no conflicts (2 of 4 stars). 2 submissions from 2 submitters: Uncertain significance (2). Last evaluated 2026-06-27.

Conditions:
Inborn genetic diseases. Identifiers: MedGen C0950123, MeSH D030342.
Baller-Gerold syndrome (BGS). Also called: CRANIOSYNOSTOSIS WITH RADIAL DEFECTS. Identifiers: Orphanet 1225, MedGen C0265308, MONDO:0009039, OMIM 218600.

Allele frequency attached by ClinVar (database versions not stated): TOPMed 0.00001.

Submissions (2):

Ambry Genetics
Classification: Uncertain significance for Inborn genetic diseases. Last evaluated: 2026-06-27. Review status: criteria provided, single submitter. Criteria: Ambry Variant Classification Scheme 2023. Collection method: clinical testing. Allele origin: germline.
Comment: The p.A653T variant (also known as c.1957G>A), located in coding exon 12 of the RECQL4 gene, results from a G to A substitution at nucleotide position 1957. The alanine at codon 653 is replaced by threonine, an amino acid with similar properties. This amino acid position is conserved. In addition, the in silico prediction for this alteration is inconclusive. Based on the available evidence, the clinical significance of this variant remains unclear.

Labcorp Genetics (formerly Invitae), Labcorp
Classification: Uncertain significance for Baller-Gerold syndrome. Last evaluated: 2024-03-02. Review status: criteria provided, single submitter. Criteria: Invitae Variant Classification Sherloc (09022015). Collection method: clinical testing. Allele origin: germline.
Comment: This sequence change replaces alanine, which is neutral and non-polar, with threonine, which is neutral and polar, at codon 653 of the RECQL4 protein (p.Ala653Thr). This variant is not present in population databases (gnomAD no frequency). This variant has not been reported in the literature in individuals affected with RECQL4-related conditions. ClinVar contains an entry for this variant (Variation ID: 1017704). Advanced modeling of protein sequence and biophysical properties (such as structural, functional, and spatial information, amino acid conservation, physicochemical variation, residue mobility, and thermodynamic stability) performed at Invitae indicates that this missense variant is not expected to disrupt RECQL4 protein function with a negative predictive value of 80%. In summary, the available evidence is currently insufficient to determine the role of this variant in disease. Therefore, it has been classified as a Variant of Uncertain Significance.